The following is an entry in ClinVar:

ClinVar aggregate classification (germline): Uncertain significance (1 of 4 stars; one submission).

Conditions:
Early-infantile DEE. Also called: Early infantile epileptic encephalopathy with suppression bursts; Early infantile epileptic encephalopathy; Ohtahara syndrome. Identifiers: Orphanet 1934, MedGen C0393706, MONDO:0800491.

Submission:

Labcorp Genetics (formerly Invitae), Labcorp
Classification: Uncertain significance for Early-infantile DEE. Last evaluated: 2025-08-10. Review status: criteria provided, single submitter. Criteria: Invitae Variant Classification Sherloc (09022015). Collection method: clinical testing. Allele origin: germline.
Comment: This sequence change replaces histidine, which is basic and polar, with glutamine, which is neutral and polar, at codon 736 of the SCN8A protein (p.His736Gln). This variant is not present in population databases (gnomAD no frequency). This variant has not been reported in the literature in individuals affected with SCN8A-related conditions. Invitae Evidence Modeling of protein sequence and biophysical properties (such as structural, functional, and spatial information, amino acid conservation, physicochemical variation, residue mobility, and thermodynamic stability) indicates that this missense variant is not expected to disrupt SCN8A protein function with a negative predictive value of 95%. In summary, the available evidence is currently insufficient to determine the role of this variant in disease. Therefore, it has been classified as a Variant of Uncertain Significance.

NM_001330260.2(SCN8A):c.2208C>A (p.His736Gln)

Gene: SCN8A (sodium voltage-gated channel alpha subunit 8; plus strand). Cytogenetic location: 12q13.13.
Variant type: single nucleotide variant.
Coding change: c.2208C>A on transcript NM_001330260.2 (MANE Select); coding-DNA position 2208, C replaced by A.
Protein change: p.His736Gln; replaces histidine 736 with glutamine.
Molecular consequence: missense variant.
Genome position (GRCh38, 1-based): chr12:51,751,431, C>A. VCF-style: chr12-51751431-C-A. GRCh37 (hg19) VCF-style: chr12-52145215-C-A.
Other names: c.2208C>A, p.His736Gln (NM_001177984.3, NM_001369788.1, NM_014191.4); short protein forms H736Q.
Identifiers: ClinVar variation 4801278 (VCV004801278.1).